The following is an entry in ClinVar:

ClinVar aggregate classification (germline): Pathogenic (1 of 4 stars; one submission).

Conditions:
Pyruvate carboxylase deficiency. Also called: LEIGH NECROTIZING ENCEPHALOPATHY DUE TO PYRUVATE CARBOXYLASE DEFICIENCY; LEIGH SYNDROME DUE TO PYRUVATE CARBOXYLASE DEFICIENCY; PC DEFICIENCY; ATAXIA WITH LACTIC ACIDOSIS II; Pyruvate Carboxylase Deficiency Disease. Identifiers: Orphanet 3008, MedGen C0034341, MONDO:0009949, OMIM 266150.

Allele frequency attached by ClinVar (database versions not stated): gnomAD exomes below 0.00001.
gnomAD v4.1: 1 of 1,613,814 alleles (0.000062%); highest among the groups gnomAD compares: Non-Finnish European, 0.000085%; no homozygotes.

Submission:

Labcorp Genetics (formerly Invitae), Labcorp
Classification: Pathogenic for Pyruvate carboxylase deficiency. Last evaluated: 2022-07-13. Review status: criteria provided, single submitter. Criteria: Invitae Variant Classification Sherloc (09022015). Collection method: clinical testing. Allele origin: germline.
Comment: For these reasons, this variant has been classified as Pathogenic. This variant disrupts a region of the PC protein in which other variant(s) (p.Leu1137Valfs*34) have been determined to be pathogenic (PMID: 18676167; Invitae). This suggests that this is a clinically significant region of the protein, and that variants that disrupt it are likely to be disease-causing. This sequence change affects a donor splice site in intron 21 of the PC gene. While this variant is not anticipated to result in nonsense mediated decay, it likely alters RNA splicing and results in a disrupted protein product. This variant is not present in population databases (gnomAD no frequency). Disruption of this splice site has been observed in individual(s) with pyruvate carboxylase deficiency (PMID: 23430542). Variants that disrupt the consensus splice site are a relatively common cause of aberrant splicing (PMID: 17576681, 9536098). Algorithms developed to predict the effect of sequence changes on RNA splicing suggest that this variant may disrupt the consensus splice site.

Literature cited by the submitters: PubMed 18676167; PubMed 23430542; PubMed 17576681; PubMed 9536098.

NM_001040716.2(PC):c.3288+1G>A

Gene: PC (pyruvate carboxylase; minus strand). Cytogenetic location: 11q13.2.
Variant type: single nucleotide variant.
Coding change: c.3288+1G>A on transcript NM_001040716.2 (MANE Select); the canonical splice donor site of the intron after coding-DNA position 3288, G replaced by A.
Molecular consequence: splice donor variant.
Genome position (GRCh38, 1-based): chr11:66,849,229, C>T on the plus strand (G>A on the coding strand, the complement: PC is on the minus strand). VCF-style: chr11-66849229-C-T. GRCh37 (hg19) VCF-style: chr11-66616700-C-T.
Other names: c.3288+1G>A (NM_000920.4, NM_022172.3).
Identifiers: ClinVar variation 2137163 (VCV002137163.4), dbSNP rs2135785399, ClinGen allele CA381489832.